The following is an entry in ClinVar:

NM_014391.3(ANKRD1):c.55G>C (p.Glu19Gln)

Gene: ANKRD1 (ankyrin repeat domain 1; minus strand). Cytogenetic location: 10q23.31.
Variant type: single nucleotide variant.
Coding change: c.55G>C on transcript NM_014391.3 (MANE Select); coding-DNA position 55, G replaced by C.
Protein change: p.Glu19Gln; replaces glutamic acid 19 with glutamine.
Molecular consequence: missense variant.
Genome position (GRCh38, 1-based): chr10:90,920,321, C>G on the plus strand (G>C on the coding strand, the complement: ANKRD1 is on the minus strand). VCF-style: chr10-90920321-C-G. GRCh37 (hg19) VCF-style: chr10-92680078-C-G.
Other names: short protein forms E19Q.
Identifiers: ClinVar variation 301608 (VCV000301608.6), dbSNP rs886047480, ClinGen allele CA10632855.

ClinVar aggregate classification (germline): Uncertain significance. Review status: criteria provided, multiple submitters, no conflicts (2 of 4 stars). 2 submissions from 2 submitters: Uncertain significance (2). Last evaluated 2025-06-15.

Conditions:
Primary dilated cardiomyopathy (DCM). Also called: Dilated Cardiomyopathy. Identifiers: Orphanet 217604, MedGen C0007193, MeSH D002311, MONDO:0005021, HP:0001644. Inheritance: Various modes of inheritance.
Cardiovascular phenotype. Identifiers: MedGen CN230736.

gnomAD v4.1: 1 of 1,614,188 alleles (0.000062%); highest among the groups gnomAD compares: Non-Finnish European, 0.000085%; no homozygotes.

Submissions (2):

Ambry Genetics
Classification: Uncertain significance for Cardiovascular phenotype. Last evaluated: 2025-06-15. Review status: criteria provided, single submitter. Criteria: Ambry Variant Classification Scheme 2023. Collection method: clinical testing. Allele origin: germline.
Comment: The p.E19Q variant (also known as c.55G>C), located in coding exon 2 of the ANKRD1 gene, results from a G to C substitution at nucleotide position 55. The glutamic acid at codon 19 is replaced by glutamine, an amino acid with highly similar properties. This amino acid position is conserved. In addition, this alteration is predicted to be tolerated by in silico analysis. Based on the available evidence, the clinical significance of this variant remains unclear.

Illumina Laboratory Services, Illumina
Classification: Uncertain significance for Primary dilated cardiomyopathy. Last evaluated: 2018-01-13. Review status: criteria provided, single submitter. Criteria: ICSL Variant Classification Criteria 13 December 2019. Collection method: clinical testing. Allele origin: germline.